The following is an entry in ClinVar:

NM_201384.3(PLEC):c.1867G>A (p.Ala623Thr)

Gene: PLEC (plectin; minus strand). Cytogenetic location: 8q24.3.
Variant type: single nucleotide variant.
Coding change: c.1867G>A on transcript NM_201384.3 (MANE Select); coding-DNA position 1867, G replaced by A.
Protein change: p.Ala623Thr; replaces alanine 623 with threonine.
Molecular consequence: missense variant.
Genome position (GRCh38, 1-based): chr8:143,932,510, C>T on the plus strand (G>A on the coding strand, the complement: PLEC is on the minus strand). VCF-style: chr8-143932510-C-T. GRCh37 (hg19) VCF-style: chr8-145006678-C-T.
Other names: c.1948G>A, p.Ala650Thr (NM_000445.5); c.1825G>A, p.Ala609Thr (NM_201378.4); c.1801G>A, p.Ala601Thr (NM_201379.3); c.2278G>A, p.Ala760Thr (NM_201380.4); c.1771G>A, p.Ala591Thr (NM_201381.3); c.1867G>A, p.Ala623Thr (NM_201382.4); c.1879G>A, p.Ala627Thr (NM_201383.3); short protein forms A627T, A601T, A760T, A609T, A650T, A591T, A623T.
Identifiers: ClinVar variation 952861 (VCV000952861.7), dbSNP rs782254718, ClinGen allele CA4927812.

ClinVar aggregate classification (germline): Uncertain significance (1 of 4 stars; one submission).

Conditions:
Epidermolysis bullosa simplex 5C, with pyloric atresia (EBS5C). Also called: PLEC-Related Epidermolysis Bullosa with Pyloric Atresia; Epidermolysis bullosa simplex with pyloric atresia; PLEC1-Related Epidermolysis Bullosa with Pyloric Atresia. Identifiers: Orphanet 158684, MedGen C2677349, MONDO:0012807, OMIM 612138.
Epidermolysis bullosa simplex 5B, with muscular dystrophy (EBS5B). Also called: Epidermolysis bullosa simplex with muscular dystrophy; EPIDERMOLYSIS BULLOSA SIMPLEX AND LIMB-GIRDLE MUSCULAR DYSTROPHY. Identifiers: Orphanet 257, MedGen C2931072, MONDO:0009181, OMIM 226670.
Epidermolysis bullosa simplex, Ogna type (EBS5A). Also called: Pidermolysis bullosa simplex 5A, Ogna type; EPIDERMOLYSIS BULLOSA SIMPLEX 5A, OGNA TYPE. Identifiers: Orphanet 79401, MedGen C0432317, MONDO:0007555, OMIM 131950.
Autosomal recessive limb-girdle muscular dystrophy type 2Q (LGMDR17). Also called: MUSCULAR DYSTROPHY, LIMB-GIRDLE, AUTOSOMAL RECESSIVE 17. Identifiers: Orphanet 254361, MedGen C3150989, MONDO:0013390, OMIM 613723.
Epidermolysis bullosa simplex with nail dystrophy (EBS5D). Identifiers: MedGen C4225309, MONDO:0014661, OMIM 616487.

Allele frequency attached by ClinVar (database versions not stated): gnomAD exomes below 0.00001; ExAC 0.00001; gnomAD 0.00001; TOPMed 0.00001.
gnomAD v4.1: 2 of 1,612,506 alleles (0.00012%); highest among the groups gnomAD compares: East Asian, 0.0022%; no homozygotes.

Submission:

Labcorp Genetics (formerly Invitae), Labcorp
Classification: Uncertain significance for Autosomal recessive limb-girdle muscular dystrophy type 2Q; Epidermolysis bullosa simplex, Ogna type; Epidermolysis bullosa simplex with nail dystrophy; Epidermolysis bullosa simplex 5C, with pyloric atresia; Epidermolysis bullosa simplex 5B, with muscular dystrophy. Last evaluated: 2024-04-17. Review status: criteria provided, single submitter. Criteria: Invitae Variant Classification Sherloc (09022015). Collection method: clinical testing. Allele origin: germline.
Comment: This sequence change replaces alanine, which is neutral and non-polar, with threonine, which is neutral and polar, at codon 650 of the PLEC protein (p.Ala650Thr). This variant is present in population databases (rs782254718, gnomAD 0.006%). This variant has not been reported in the literature in individuals affected with PLEC-related conditions. ClinVar contains an entry for this variant (Variation ID: 952861). Advanced modeling of protein sequence and biophysical properties (such as structural, functional, and spatial information, amino acid conservation, physicochemical variation, residue mobility, and thermodynamic stability) performed at Invitae indicates that this missense variant is not expected to disrupt PLEC protein function with a negative predictive value of 80%. In summary, the available evidence is currently insufficient to determine the role of this variant in disease. Therefore, it has been classified as a Variant of Uncertain Significance.